The following is an entry in ClinVar:

ClinVar aggregate classification (germline): Uncertain significance (0 of 4 stars; one submission).

Conditions:
HUWE1-related disorder. Also called: HUWE1-related condition.

Submission:

PreventionGenetics, part of Exact Sciences
Classification: Uncertain significance for HUWE1-related condition. Last evaluated: 2024-09-25. Review status: no assertion criteria provided. Collection method: clinical testing. Allele origin: germline.
Comment: The HUWE1 c.5681G>A variant is predicted to result in the amino acid substitution p.Arg1894His. To our knowledge, this variant has not been reported in the literature or in a large population database, indicating this variant is rare. At this time, the clinical significance of this variant is uncertain due to the absence of conclusive functional and genetic evidence.

NM_031407.7(HUWE1):c.5681G>A (p.Arg1894His)

Gene: HUWE1 (HECT, UBA and WWE domain containing E3 ubiquitin protein ligase 1; minus strand). Cytogenetic location: Xp11.22.
Variant type: single nucleotide variant.
Coding change: c.5681G>A on transcript NM_031407.7 (MANE Select); coding-DNA position 5681, G replaced by A.
Protein change: p.Arg1894His; replaces arginine 1894 with histidine.
Molecular consequence: missense variant.
Genome position (GRCh38, 1-based): chrX:53,580,866, C>T on the plus strand (G>A on the coding strand, the complement: HUWE1 is on the minus strand). VCF-style: chrX-53580866-C-T. GRCh37 (hg19) VCF-style: chrX-53607826-C-T.
Other names: short protein forms R1894H.
Identifiers: ClinVar variation 3347194 (VCV003347194.1).
Genomic context (GRCh38, chrX:53,580,866, plus strand): 5'-AAGGCCAGGAGCAAGCGAAACTTACCAGTTCCTGAGCCTCGAGGGGCAGGAAGGGCGATG[C>T]GGATACAGCAGTTGGCCACTTCTGTGAATATGTCTGGATTGCGGCATGCGGCTGGCCCAA-3'
Protein context (NP_113584.3, residues 1884-1904): IFTEVANCCI[Arg1894His]IALPAPRGSG